The following is an entry in ClinVar:

NM_001378030.1(CCDC78):c.1114G>C (p.Gly372Arg)

Gene: CCDC78 (coiled-coil domain containing 78; minus strand). Cytogenetic location: 16p13.3.
Variant type: single nucleotide variant.
Coding change: c.1114G>C on transcript NM_001378030.1 (MANE Select); coding-DNA position 1114, G replaced by C.
Protein change: p.Gly372Arg; replaces glycine 372 with arginine.
Molecular consequence: missense variant. On other transcripts: non-coding transcript variant (5), intron variant (1).
Genome position (GRCh38, 1-based): chr16:723,876, C>G on the plus strand (G>C on the coding strand, the complement: CCDC78 is on the minus strand). VCF-style: chr16-723876-C-G. GRCh37 (hg19) VCF-style: chr16-773876-C-G.
Other names: c.1114G>C, p.Gly372Arg (NM_001031737.3); c.547G>C, p.Gly183Arg (NM_001378033.1); c.953+446G>C (NM_001378031.1); short protein forms G372R, G183R.
Identifiers: ClinVar variation 647627 (VCV000647627.8), dbSNP rs780209156, ClinGen allele CA394098358.

ClinVar aggregate classification (germline): Uncertain significance (1 of 4 stars; one submission).

Conditions:
Congenital myopathy with internal nuclei and atypical cores. Also called: Myopathy, centronuclear, 4. Identifiers: Orphanet 319160, MedGen C4707232, MONDO:0013890, OMIM 614807.

Allele frequency attached by ClinVar (database versions not stated): TOPMed 0.00002.
gnomAD v4.1: 22 of 1,595,362 alleles (0.0014%); highest among the groups gnomAD compares: African/African-American, 0.0027%; no homozygotes.

Submission:

Labcorp Genetics (formerly Invitae), Labcorp
Classification: Uncertain significance for Congenital myopathy with internal nuclei and atypical cores. Last evaluated: 2022-03-18. Review status: criteria provided, single submitter. Criteria: Invitae Variant Classification Sherloc (09022015). Collection method: clinical testing. Allele origin: germline.
Comment: This variant has not been reported in the literature in individuals affected with CCDC78-related conditions. ClinVar contains an entry for this variant (Variation ID: 647627). Algorithms developed to predict the effect of missense changes on protein structure and function output the following: SIFT: "Tolerated"; PolyPhen-2: "Benign"; Align-GVGD: "Class C0". The arginine amino acid residue is found in multiple mammalian species, which suggests that this missense change does not adversely affect protein function. In summary, the available evidence is currently insufficient to determine the role of this variant in disease. Therefore, it has been classified as a Variant of Uncertain Significance. The frequency data for this variant in the population databases is considered unreliable, as metrics indicate poor data quality at this position in the gnomAD database. This sequence change replaces glycine, which is neutral and non-polar, with arginine, which is basic and polar, at codon 372 of the CCDC78 protein (p.Gly372Arg).